The following is an entry in ClinVar:

ClinVar aggregate classification (germline): Uncertain significance. Review status: criteria provided, multiple submitters, no conflicts (2 of 4 stars). 2 submissions from 2 submitters: Uncertain significance (2). Last evaluated 2026-02-16.

Conditions:
Inborn genetic diseases. Identifiers: MedGen C0950123, MeSH D030342.

Allele frequency attached by ClinVar (database versions not stated): ExAC 0.00004; gnomAD 0.00004 and 0.00005; gnomAD exomes 0.00004 and 0.00006; TOPMed 0.00007.

Submissions (2):

Ambry Genetics
Classification: Uncertain significance for Inborn genetic diseases. Last evaluated: 2026-02-16. Review status: criteria provided, single submitter. Criteria: Ambry Variant Classification Scheme 2023. Collection method: clinical testing. Allele origin: germline.

Labcorp Genetics (formerly Invitae), Labcorp
Classification: Uncertain significance. Last evaluated: 2026-01-05. Review status: criteria provided, single submitter. Criteria: Invitae Variant Classification Sherloc (09022015). Collection method: clinical testing. Allele origin: germline.
Comment: This sequence change replaces alanine, which is neutral and non-polar, with threonine, which is neutral and polar, at codon 823 of the TONSL protein (p.Ala823Thr). This variant is present in population databases (rs768180498, gnomAD 0.01%). This variant has not been reported in the literature in individuals affected with TONSL-related conditions. ClinVar contains an entry for this variant (Variation ID: 1514265). Invitae Evidence Modeling of protein sequence and biophysical properties (such as structural, functional, and spatial information, amino acid conservation, physicochemical variation, residue mobility, and thermodynamic stability) indicates that this missense variant is expected to disrupt TONSL protein function with a positive predictive value of 80%. In summary, the available evidence is currently insufficient to determine the role of this variant in disease. Therefore, it has been classified as a Variant of Uncertain Significance.

NM_013432.5(TONSL):c.2467G>A (p.Ala823Thr)

Genes: TONSL-AS1 (TONSL antisense RNA 1; plus strand), TONSL (tonsoku like, DNA repair protein; minus strand). Cytogenetic location: 8q24.3.
Variant type: single nucleotide variant.
Coding change: c.2467G>A on transcript NM_013432.5 (MANE Select); coding-DNA position 2467, G replaced by A.
Protein change: p.Ala823Thr; replaces alanine 823 with threonine.
Molecular consequence: missense variant.
Genome position (GRCh38, 1-based): chr8:144,435,966, C>T on the plus strand (G>A on the coding strand, the complement: TONSL is on the minus strand). VCF-style: chr8-144435966-C-T. GRCh37 (hg19) VCF-style: chr8-145661349-C-T.
Other names: c.2467G>A (NM_013432.4); short protein forms A823T.
Identifiers: ClinVar variation 1514265 (VCV001514265.7), dbSNP rs768180498, ClinGen allele CA4942820.
Genomic context (GRCh38, chr8:144,435,966, plus strand): 5'-TCAGGGGCATGTCCAGCTCCAGCCAGTCCCCGGCCAGGCACTCCTCCTCCGGGATGAGCG[C>T]TGCCTGGGGGGCAAGGGCTTTGCTGTGGCCCCGCGGTGGGCCAGGCCCCAGCCGGCTCTG-3'
Protein context (NP_038460.4, residues 813-833): GHSKALAPQA[Ala823Thr]LIPEEECLAG